The following is an entry in ClinVar:

NM_001377229.1(DISP1):c.4537G>A (p.Glu1513Lys)

Gene: DISP1 (dispatched RND transporter family member 1; plus strand). Cytogenetic location: 1q41.
Variant type: single nucleotide variant.
Coding change: c.4537G>A on transcript NM_001377229.1 (MANE Select); coding-DNA position 4537, G replaced by A.
Protein change: p.Glu1513Lys; replaces glutamic acid 1513 with lysine.
Molecular consequence: missense variant.
Genome position (GRCh38, 1-based): chr1:223,005,934, G>A. VCF-style: chr1-223005934-G-A. GRCh37 (hg19) VCF-style: chr1-223179276-G-A.
Other names: c.3808G>A, p.Glu1270Lys (NM_001350630.2); c.4537G>A, p.Glu1513Lys (NM_001369594.1, NM_001377228.1, NM_032890.5); short protein forms E1270K, E1513K.
Identifiers: ClinVar variation 2809281 (VCV002809281.3), dbSNP rs945356440, ClinGen allele CA38410937.

ClinVar aggregate classification (germline): Uncertain significance (1 of 4 stars; one submission).

Allele frequency attached by ClinVar (database versions not stated): gnomAD exomes 0.00001.
gnomAD v4.1: 12 of 1,614,004 alleles (0.00074%); highest among the groups gnomAD compares: East Asian, 0.0022%; no homozygotes.

Submission:

Labcorp Genetics (formerly Invitae), Labcorp
Classification: Uncertain significance. Last evaluated: 2023-04-07. Review status: criteria provided, single submitter. Criteria: Invitae Variant Classification Sherloc (09022015). Collection method: clinical testing. Allele origin: germline.
Comment: This sequence change replaces glutamic acid, which is acidic and polar, with lysine, which is basic and polar, at codon 1513 of the DISP1 protein (p.Glu1513Lys). This variant is not present in population databases (gnomAD no frequency). This variant has not been reported in the literature in individuals affected with DISP1-related conditions. An algorithm developed to predict the effect of missense changes on protein structure and function (PolyPhen-2) suggests that this variant is likely to be tolerated. In summary, the available evidence is currently insufficient to determine the role of this variant in disease. Therefore, it has been classified as a Variant of Uncertain Significance.